The following is an entry in ClinVar:

ClinVar aggregate classification (germline): Pathogenic (1 of 4 stars; one submission).

Conditions:
Familial adenomatous polyposis 1 (FAP1). Also called: POLYPOSIS, ADENOMATOUS INTESTINAL; FAMILIAL ADENOMATOUS POLYPOSIS 1, ATTENUATED. Identifiers: MedGen C2713442, MONDO:0021056, OMIM 175100. Disease mechanism: loss of function.

Submission:

Myriad Genetics, Inc.
Classification: Pathogenic for Familial adenomatous polyposis 1. Last evaluated: 2023-05-01. Review status: criteria provided, single submitter. Criteria: Myriad Autosomal Dominant, Autosomal Recessive and X-Linked Classification Criteria (2023). Collection method: clinical testing. Allele origin: unknown.
Comment: This variant is considered pathogenic. This variant creates a frameshift predicted to result in premature protein truncation.

NM_000038.6(APC):c.1522_1545delinsA (p.Leu508fs)

Gene: APC (APC regulator of Wnt signaling pathway; plus strand). Cytogenetic location: 5q22.2.
Variant type: Indel.
Coding change: c.1522_1545delinsA on transcript NM_000038.6 (MANE Select); coding-DNA positions 1522 to 1545, TTGACTTTTGGAGATGTAGCCAAC replaced by A.
Protein change: p.Leu508fs; shifts the reading frame from leucine 508.
Molecular consequence: frameshift variant.
Genome position (GRCh38, 1-based): chr5:112,827,221-112,827,244, TTGACTTTTGGAGATGTAGCCAAC replaced by A. VCF-style: chr5-112827221-TTGACTTTTGGAGATGTAGCCAAC-A. GRCh37 (hg19) VCF-style: chr5-112162918-TTGACTTTTGGAGATGTAGCCAAC-A.
Other names: c.1522_1545delinsA, p.Leu508fs (NM_001127510.3, NM_001354895.2, NM_001407450.1); c.1468_1491delinsA, p.Leu490fs (NM_001127511.3); c.1576_1599delinsA, p.Leu526fs (NM_001354896.2, NM_001407447.1, NM_001407448.1 and 1 more transcripts); c.1552_1575delinsA, p.Leu518fs (NM_001354897.2); c.1447_1470delinsA, p.Leu483fs (NM_001354898.2); c.1438_1461delinsA, p.Leu480fs (NM_001354899.2); c.1399_1422delinsA, p.Leu467fs (NM_001354900.2); c.1345_1368delinsA, p.Leu449fs (NM_001354901.2, NM_001407453.1); and 11 more; short protein forms L124fs, L225fs, L348fs, L379fs, L382fs, L407fs, L417fs, L425fs.
Identifiers: ClinVar variation 2583682 (VCV002583682.2), dbSNP rs2533201098, ClinGen allele CA2582341338.
Genomic context (GRCh38, chr5:112,827,221, plus strand): 5'-CTTACTAATGACCACTACAGTATTACACTAAGACGATATGCTGGAATGGCTTTGACAAAC[TTGACTTTTGGAGATGTAGCCAAC>A]AAGGTATGTTTTTATAACATGTATTTCTTAAGATAGCTCAGGTATGAGTTAATTTACTTT-3'